The following is an entry in ClinVar:

ClinVar aggregate classification (germline): Uncertain significance. Review status: criteria provided, multiple submitters, no conflicts (2 of 4 stars). 5 submissions from 5 submitters: Uncertain significance (4). 1 of the submissions does not count toward it. Last evaluated 2024-08-28.

Conditions:
Cardiac arrhythmia. Also called: Arrhythmia; Cardiac rhythm disease. Identifiers: MedGen C0003811, MONDO:0007263, HP:0011675.
Familial long QT syndrome (RWS). Also called: Congenital long QT syndrome; Romano-Ward syndrome; VENTRICULAR FIBRILLATION WITH PROLONGED QT INTERVAL. Identifiers: Orphanet 768, MedGen C1141890, MONDO:0019171.
Long QT syndrome (LQTS). Identifiers: MedGen C0023976, MeSH D008133, MONDO:0002442. Disease mechanism: loss of function. Inheritance: Various modes of inheritance.
Short QT syndrome type 1. Identifiers: Orphanet 51083, MedGen C1865020, MONDO:0012312, OMIM 609620.
Long QT syndrome 2 (LQT2). Identifiers: Orphanet 101016, Orphanet 768, MedGen C3150943, MONDO:0013367, OMIM 613688.

Allele frequency attached by ClinVar (database versions not stated): TOPMed below 0.00001; ExAC below 0.00001; gnomAD 0.00001; gnomAD exomes 0.00001 and 0.00002.
gnomAD v4.1: 34 of 1,572,946 alleles (0.0022%); highest among the groups gnomAD compares: Non-Finnish European, 0.0022%; no homozygotes.

Submissions (5):

Labcorp Genetics (formerly Invitae), Labcorp
Classification: Uncertain significance for Long QT syndrome. Last evaluated: 2024-08-28. Review status: criteria provided, single submitter. Criteria: Invitae Variant Classification Sherloc (09022015). Collection method: clinical testing. Allele origin: germline.
Comment: This sequence change replaces arginine, which is basic and polar, with glutamine, which is neutral and polar, at codon 1005 of the KCNH2 protein (p.Arg1005Gln). The frequency data for this variant in the population databases is considered unreliable, as metrics indicate poor data quality at this position in the gnomAD database. This missense change has been observed in individual(s) with clinical features of long QT syndrome (PMID: 19716085). ClinVar contains an entry for this variant (Variation ID: 67461). An algorithm developed to predict the effect of missense changes on protein structure and function (PolyPhen-2) suggests that this variant is likely to be disruptive. Experimental studies have shown that this missense change does not substantially affect KCNH2 function (PMID: 25417810). In summary, the available evidence is currently insufficient to determine the role of this variant in disease. Therefore, it has been classified as a Variant of Uncertain Significance.

All of Us Research Program, National Institutes of Health
Classification: Uncertain significance for Long QT syndrome. Last evaluated: 2023-12-18. Review status: criteria provided, single submitter. Criteria: ACMG Guidelines, 2015. Collection method: clinical testing. Allele origin: germline. Inheritance: Autosomal dominant inheritance. Observed: 5 variant alleles, 5 heterozygotes.
Comment: This missense variant replaces arginine with glutamine at codon 1005 of the KCNH2 protein. Computational prediction is inconclusive regarding the impact of this variant on protein structure and function (internally defined REVEL score threshold 0.5 < inconclusive < 0.7, PMID: 27666373). This variant is found within a highly conserved C-terminal cytoplasmic domain (a.a. 660-1159). Rare non-truncating variants in this region have been shown to be significantly overrepresented in individuals with long QT syndrome (PMID: 32893267). A functional study has reported that the mutant protein shows no trafficking deficits, with only increased activation kinetics reported during electrophysiological characterization (PMID: 25417810). This variant has been reported in an individual referred for long QT syndrome genetic test (PMID: 19716085). This variant has been identified in 1/180462 chromosomes in the general population by the Genome Aggregation Database (gnomAD). The available evidence is insufficient to determine the role of this variant in disease conclusively. Therefore, this variant is classified as a Variant of Uncertain Significance.

This study involves interpretation of variants in research participants for the purpose of population health screening. Participant phenotype was not available at the time of variant classification. Additional details can be found in publication PMID: 35346344, PMCID: PMC8962531

Color Diagnostics, LLC DBA Color Health
Classification: Uncertain significance for Cardiac arrhythmia. Last evaluated: 2023-09-22. Review status: criteria provided, single submitter. Criteria: ACMG Guidelines, 2015. Collection method: clinical testing. Allele origin: germline.
Comment: This missense variant replaces arginine with glutamine at codon 1005 of the KCNH2 protein. Computational prediction is inconclusive regarding the impact of this variant on protein structure and function (internally defined REVEL score threshold 0.5 < inconclusive < 0.7, PMID: 27666373). This variant is found within a highly conserved C-terminal cytoplasmic domain (a.a. 660-1159). Rare non-truncating variants in this region have been shown to be significantly overrepresented in individuals with long QT syndrome (PMID: 32893267). A functional study has reported that the mutant protein shows no trafficking deficits, with only increased activation kinetics reported during electrophysiological characterization (PMID: 25417810). This variant has been reported in an individual referred for long QT syndrome genetic test (PMID: 19716085). This variant has been identified in 1/180462 chromosomes in the general population by the Genome Aggregation Database (gnomAD). The available evidence is insufficient to determine the role of this variant in disease conclusively. Therefore, this variant is classified as a Variant of Uncertain Significance.

Fulgent Genetics
Classification: Uncertain significance for Short QT syndrome type 1; Long QT syndrome 2. Last evaluated: 2021-09-23. Review status: criteria provided, single submitter. Criteria: ACMG Guidelines, 2015. Collection method: clinical testing. Allele origin: unknown.

Cardiovascular Biomedical Research Unit, Royal Brompton & Harefield NHS Foundation Trust
No classification provided. Condition: Familial long QT syndrome. Review status: no classification provided. Collection method: literature only. Allele origin: germline. Not counted in ClinVar's aggregate classification.
Comment: This variant has been reported as associated with Long QT syndrome in the following publications (PMID:19716085). This is a literature report, and does not necessarily reflect the clinical interpretation of the Imperial College / Royal Brompton Cardiovascular Genetics laboratory.

Literature cited by the submitters: PubMed 19716085 (cited by 4 submitters); PubMed 25417810 (cited by 3 submitters); PubMed 32893267 (cited by All of Us Research Program, National Institutes of Health and Color Diagnostics, LLC DBA Color Health); PubMed 22581653 (cited by Cardiovascular Biomedical Research Unit, Royal Brompton & Harefield NHS Foundation Trust).

NM_000238.4(KCNH2):c.3014G>A (p.Arg1005Gln)

Gene: KCNH2 (potassium voltage-gated channel subfamily H member 2; minus strand). Cytogenetic location: 7q36.1.
Variant type: single nucleotide variant.
Coding change: c.3014G>A on transcript NM_000238.4 (MANE Select); coding-DNA position 3014, G replaced by A.
Protein change: p.Arg1005Gln; replaces arginine 1005 with glutamine.
Molecular consequence: missense variant.
Genome position (GRCh38, 1-based): chr7:150,947,466, C>T on the plus strand (G>A on the coding strand, the complement: KCNH2 is on the minus strand). VCF-style: chr7-150947466-C-T. GRCh37 (hg19) VCF-style: chr7-150644554-C-T.
Other names: c.3014G>A (LRG_288t1); c.1994G>A, p.Arg665Gln (NM_172057.3); short protein forms R1005Q, R665Q.
Identifiers: ClinVar variation 67461 (VCV000067461.15), dbSNP rs199473019, ClinGen allele CA007800.